The following is an entry in ClinVar:

ClinVar aggregate classification (germline): Uncertain significance (1 of 4 stars; one submission).

Conditions:
Arrhythmogenic cardiomyopathy with wooly hair and keratoderma. Also called: PALMOPLANTAR KERATODERMA WITH LEFT VENTRICULAR CARDIOMYOPATHY AND WOOLLY HAIR; Carvajal syndrome; Dilated cardiomyopathy with woolly hair and keratoderma; Arrhythmogenic cardiomyopathy with woolly hair and keratoderma. Identifiers: Orphanet 65282, MedGen C1854063, MONDO:0011581, OMIM 605676.

Submission:

All of Us Research Program, National Institutes of Health
Classification: Uncertain significance for Arrhythmogenic cardiomyopathy with wooly hair and keratoderma. Last evaluated: 2023-05-16. Review status: criteria provided, single submitter. Criteria: ACMG Guidelines, 2015. Collection method: clinical testing. Allele origin: germline. Inheritance: Autosomal dominant inheritance. Observed: 1 variant allele, 1 heterozygote.
Comment: This missense variant replaces tyrosine with aspartic acid at codon 1512 of the DSP protein. Computational prediction suggests that this variant may not impact protein structure and function (internally defined REVEL score threshold <= 0.5, PMID: 27666373). To our knowledge, functional studies have not been reported for this variant. This variant has not been reported in individuals affected with DSP-related disorders in the literature. This variant has not been identified in the general population by the Genome Aggregation Database (gnomAD). The available evidence is insufficient to determine the role of this variant in disease conclusively. Therefore, this variant is classified as a Variant of Uncertain Significance.

This study involves interpretation of variants in research participants for the purpose of population health screening. Participant phenotype was not available at the time of variant classification. Additional details can be found in publication PMID: 35346344, PMCID: PMC8962531

NM_004415.4(DSP):c.4534T>G (p.Tyr1512Asp)

Gene: DSP (desmoplakin; plus strand). Cytogenetic location: 6p24.3.
Variant type: single nucleotide variant.
Coding change: c.4534T>G on transcript NM_004415.4 (MANE Select); coding-DNA position 4534, T replaced by G.
Protein change: p.Tyr1512Asp; replaces tyrosine 1512 with aspartic acid.
Molecular consequence: missense variant. On other transcripts: intron variant (2).
Genome position (GRCh38, 1-based): chr6:7,580,724, T>G. VCF-style: chr6-7580724-T-G. GRCh37 (hg19) VCF-style: chr6-7580957-T-G.
Other names: c.4050+484T>G (NM_001319034.2); c.3582+952T>G (NM_001008844.3); short protein forms Y1512D.
Identifiers: ClinVar variation 3071233 (VCV003071233.1), dbSNP rs779987722, ClinGen allele CA362686523.
Genomic context (GRCh38, chr6:7,580,724, plus strand): 5'-AAAGAAACAAATGACCGGAAATGCCTGGAAGATGAAAACGCGAGATTACAAAGGGTCCAG[T>G]ATGACCTGCAGAAAGCAAACAGTAGTGCGACGGAGACAATAAACAAACTGAAGGTTCAGG-3'
Protein context (NP_004406.2, residues 1502-1522): DENARLQRVQ[Tyr1512Asp]DLQKANSSAT